The following is an entry in ClinVar:

NM_024642.5(GALNT12):c.3G>T (p.Met1Ile)

Gene: GALNT12 (polypeptide N-acetylgalactosaminyltransferase 12; plus strand). Cytogenetic location: 9q22.33.
Variant type: single nucleotide variant.
Coding change: c.3G>T on transcript NM_024642.5 (MANE Select); coding-DNA position 3, G replaced by T.
Protein change: p.Met1Ile; changes the start codon (methionine 1).
Molecular consequence: missense variant, initiator codon variant.
Genome position (GRCh38, 1-based): chr9:98,807,701, G>T. VCF-style: chr9-98807701-G-T. GRCh37 (hg19) VCF-style: chr9-101569983-G-T.
Other names: short protein forms M1I.
Identifiers: ClinVar variation 639336 (VCV000639336.14), dbSNP rs267606839, ClinGen allele CA5153894.
Genomic context (GRCh38, chr9:98,807,701, plus strand): 5'-TCCTGGCCTCCACCGCCGCCTTGGGGCGCGCAGATCGCTGGCTGCAGTTGGCGGGCGCAT[G>T]TGGGGGCGCACGGCGCGGCGGCGCTGCCCGCGGGAACTGCGGCGCGGCCGGGAGGCGCTG-3'
Protein context (NP_078918.3, residues 1-11): [Met1Ile]WGRTARRRCP

ClinVar aggregate classification (germline): Uncertain significance. Review status: criteria provided, multiple submitters, no conflicts (2 of 4 stars). 2 submissions from 2 submitters: Uncertain significance (2). Last evaluated 2024-02-26.

Allele frequency attached by ClinVar (database versions not stated): ExAC below 0.00001.

Submissions (2):

Labcorp Genetics (formerly Invitae), Labcorp
Classification: Uncertain significance. Last evaluated: 2024-02-26. Review status: criteria provided, single submitter. Criteria: Invitae Variant Classification Sherloc (09022015). Collection method: clinical testing. Allele origin: germline.
Comment: This sequence change affects the initiator methionine of the GALNT12 mRNA. The next in-frame methionine is located at codon 65. This variant is not present in population databases (gnomAD no frequency). Disruption of the initiator codon has been observed in individual(s) with breast and/or colon cancer (PMID: 19617566, 36315513). ClinVar contains an entry for this variant (Variation ID: 639336). Studies have shown that disruption of the initiator codon alters GALNT12 gene expression (PMID: 19617566). In summary, the available evidence is currently insufficient to determine the role of this variant in disease. Therefore, it has been classified as a Variant of Uncertain Significance.

Ambry Genetics
Classification: Uncertain significance. Last evaluated: 2023-06-06. Review status: criteria provided, single submitter. Criteria: Ambry Variant Classification Scheme 2023. Collection method: clinical testing. Allele origin: germline.
Comment: The p.M1? variant (also known as c.3G>T) is located in coding exon 1 of the GALNT12 gene and results from a G to T substitution at nucleotide position 1. This alters the methionine residue at the initiation codon (ATG).Sequence variations that modify the initiation codon are expected to result in either loss of translation initiation, N-terminal truncation, or cause a shift in the mRNA reading frame. However, the evidence for this gene-disease relationship is limited; therefore, the clinical significance of this alteration is unclear.

Literature cited by the submitters: PubMed 19617566 (cited by Labcorp Genetics (formerly Invitae), Labcorp and Ambry Genetics); PubMed 36315513 (cited by Labcorp Genetics (formerly Invitae), Labcorp).